The following is an entry in ClinVar:

ClinVar aggregate classification (germline): Conflicting classifications of pathogenicity. Review status: criteria provided, conflicting classifications (1 of 4 stars). 2 submissions from 2 submitters: Uncertain significance (1); Benign (1). Last evaluated 2024-10-06.

Submissions (2):

Labcorp Genetics (formerly Invitae), Labcorp
Classification: Benign. Last evaluated: 2024-10-06. Review status: criteria provided, single submitter. Criteria: Invitae Variant Classification Sherloc (09022015). Collection method: clinical testing. Allele origin: germline.

CeGaT Center for Human Genetics Tuebingen
Classification: Uncertain significance. Last evaluated: 2024-10-01. Review status: criteria provided, single submitter. Criteria: CeGaT Center For Human Genetics Tuebingen Variant Classification Criteria Version 2. Collection method: clinical testing. Allele origin: germline. Affected: yes. Observed: 1 variant allele.
Comment: PUS1: PM2, BP4

NM_025215.6(PUS1):c.545-4del

Gene: PUS1 (pseudouridine synthase 1; plus strand). Cytogenetic location: 12q24.33.
Variant type: Deletion.
Coding change: c.545-4del on transcript NM_025215.6 (MANE Select); 4 bases into the intron before coding-DNA position 545, one base deleted (C; older notation c.545-4delC).
Molecular consequence: intron variant.
Genome position (GRCh38, 1-based): chr12:131,941,288, C deleted; the last of 6 consecutive C bases (chr12:131,941,283-131,941,288); deleting any one gives the same sequence. VCF-style (leftmost placement, unchanged base first): chr12-131941282-TC-T. GRCh37 (hg19) VCF-style: chr12-132425827-TC-T.
Other names: c.461-4del (NM_001002019.3, NM_001002020.3).
Identifiers: ClinVar variation 1167715 (VCV001167715.23), dbSNP rs760191922, ClinGen allele CA6884178.